The following is an entry in ClinVar:

NM_013266.4(CTNNA3):c.3G>A (p.Met1Ile)

Gene: CTNNA3 (catenin alpha 3; minus strand). Cytogenetic location: 10q21.3.
Variant type: single nucleotide variant.
Coding change: c.3G>A on transcript NM_013266.4 (MANE Select); coding-DNA position 3, G replaced by A.
Protein change: p.Met1Ile; changes the start codon (methionine 1).
Molecular consequence: missense variant, initiator codon variant.
Genome position (GRCh38, 1-based): chr10:67,647,511, C>T on the plus strand (G>A on the coding strand, the complement: CTNNA3 is on the minus strand). VCF-style: chr10-67647511-C-T. GRCh37 (hg19) VCF-style: chr10-69407269-C-T.
Other names: c.3G>A, p.Met1Ile (NM_001127384.3); c.39G>A, p.Met13Ile (NM_001291133.2); short protein forms M13I, M1I.
Identifiers: ClinVar variation 4534555 (VCV004534555.6).

ClinVar aggregate classification (germline): Uncertain significance (1 of 4 stars; one submission).

Submission:

CeGaT Center for Human Genetics Tuebingen
Classification: Uncertain significance. Last evaluated: 2025-11-01. Review status: criteria provided, single submitter. Criteria: CeGaT Center For Human Genetics Tuebingen Variant Classification Criteria Version 2. Collection method: clinical testing. Allele origin: germline. Affected: yes. Observed: 1 variant allele.
Comment: CTNNA3: PM2